The following is an entry in ClinVar:

ClinVar aggregate classification (germline): Uncertain significance. Review status: criteria provided, multiple submitters, no conflicts (2 of 4 stars). 2 submissions from 2 submitters: Uncertain significance (2). Last evaluated 2024-07-31.

Conditions:
Hereditary cancer-predisposing syndrome. Also called: Neoplastic Syndromes, Hereditary; Tumor predisposition; Hereditary neoplastic syndrome; Hereditary Cancer Syndrome. Identifiers: Orphanet 140162, MedGen C0027672, MeSH D009386, MONDO:0015356.
Gorlin syndrome. Also called: Basal cell nevus syndrome; Nevoid Basal Cell Carcinoma Syndrome. Identifiers: Orphanet 377, MedGen C0004779, MONDO:0007187.

gnomAD v4.1: 1 of 1,601,558 alleles (0.000062%); highest among the groups gnomAD compares: Non-Finnish European, 0.000085%; no homozygotes.

Submissions (2):

Ambry Genetics
Classification: Uncertain significance for Hereditary cancer-predisposing syndrome. Last evaluated: 2024-07-31. Review status: criteria provided, single submitter. Criteria: Ambry Variant Classification Scheme 2023. Collection method: clinical testing. Allele origin: germline.
Comment: The p.G37V variant (also known as c.110G>T), located in coding exon 1 of the PTCH1 gene, results from a G to T substitution at nucleotide position 110. The glycine at codon 37 is replaced by valine, an amino acid with dissimilar properties. This amino acid position is well conserved in available vertebrate species. In addition, this alteration is predicted to be tolerated by in silico analysis. Since supporting evidence is limited at this time, the clinical significance of this alteration remains unclear.

Labcorp Genetics (formerly Invitae), Labcorp
Classification: Uncertain significance for Gorlin syndrome. Last evaluated: 2024-07-09. Review status: criteria provided, single submitter. Criteria: Invitae Variant Classification Sherloc (09022015). Collection method: clinical testing. Allele origin: germline.
Comment: This sequence change replaces glycine, which is neutral and non-polar, with valine, which is neutral and non-polar, at codon 37 of the PTCH1 protein (p.Gly37Val). This variant is not present in population databases (gnomAD no frequency). This variant has not been reported in the literature in individuals affected with PTCH1-related conditions. ClinVar contains an entry for this variant (Variation ID: 1794830). Advanced modeling of protein sequence and biophysical properties (such as structural, functional, and spatial information, amino acid conservation, physicochemical variation, residue mobility, and thermodynamic stability) performed at Invitae indicates that this missense variant is not expected to disrupt PTCH1 protein function with a negative predictive value of 95%. In summary, the available evidence is currently insufficient to determine the role of this variant in disease. Therefore, it has been classified as a Variant of Uncertain Significance.

NM_000264.5(PTCH1):c.110G>T (p.Gly37Val)

Genes: PTCH1 (patched 1; minus strand), LOC130002133 (ATAC-STARR-seq lymphoblastoid silent region 20071; plus strand). Cytogenetic location: 9q22.32.
Variant type: single nucleotide variant.
Coding change: c.110G>T on transcript NM_000264.5 (MANE Select); coding-DNA position 110, G replaced by T.
Protein change: p.Gly37Val; replaces glycine 37 with valine.
Molecular consequence: missense variant. On other transcripts: non-coding transcript variant (1), intron variant (3).
Genome position (GRCh38, 1-based): chr9:95,508,252, C>A on the plus strand (G>T on the coding strand, the complement: PTCH1 is on the minus strand). VCF-style: chr9-95508252-C-A. GRCh37 (hg19) VCF-style: chr9-98270534-C-A.
Other names: c.110G>T, p.Gly37Val (NM_001354918.2); c.199-1653G>T (NM_001083603.3); c.4-1653G>T (NM_001083602.3, NM_001354919.2); short protein forms G37V.
Identifiers: ClinVar variation 1794830 (VCV001794830.5), dbSNP rs748780206, ClinGen allele CA374121410.